The following is an entry in ClinVar:

NM_181078.3(IL21R):c.1050C>A (p.Ser350Arg)

Genes: IL21R-AS1 (IL21R antisense RNA 1; minus strand), IL21R (interleukin 21 receptor; plus strand). Cytogenetic location: 16p12.1.
Variant type: single nucleotide variant.
Coding change: c.1050C>A on transcript NM_181078.3 (MANE Select); coding-DNA position 1050, C replaced by A.
Protein change: p.Ser350Arg; replaces serine 350 with arginine.
Molecular consequence: missense variant. On other transcripts: non-coding transcript variant (1).
Genome position (GRCh38, 1-based): chr16:27,448,716, C>A. VCF-style: chr16-27448716-C-A. GRCh37 (hg19) VCF-style: chr16-27460037-C-A.
Other names: c.1050C>A, p.Ser350Arg (NM_021798.4); c.1116C>A, p.Ser372Arg (NM_181079.5); c.1116C>A (NM_181079.4); short protein forms S350R, S372R.
Identifiers: ClinVar variation 948002 (VCV000948002.6), dbSNP rs755746046, ClinGen allele CA7975138.

ClinVar aggregate classification (germline): Uncertain significance. Review status: criteria provided, multiple submitters, no conflicts (2 of 4 stars). 2 submissions from 2 submitters: Uncertain significance (2). Last evaluated 2024-09-11.

Conditions:
Cryptosporidiosis-chronic cholangitis-liver disease syndrome. Also called: Immunodeficiency type 56; IL21R immunodeficiency. Identifiers: Orphanet 357329, MedGen C3554687, MONDO:0014082, OMIM 615207.
Inborn genetic diseases. Identifiers: MedGen C0950123, MeSH D030342.

Allele frequency attached by ClinVar (database versions not stated): TOPMed 0.00003; ExAC 0.00003.
gnomAD v4.1: 31 of 1,613,352 alleles (0.0019%); highest among the groups gnomAD compares: Middle Eastern, 0.18%; no homozygotes.

Submissions (2):

Ambry Genetics
Classification: Uncertain significance for Inborn genetic diseases. Last evaluated: 2024-09-11. Review status: criteria provided, single submitter. Criteria: Ambry Variant Classification Scheme 2023. Collection method: clinical testing. Allele origin: germline.

Labcorp Genetics (formerly Invitae), Labcorp
Classification: Uncertain significance for Cryptosporidiosis-chronic cholangitis-liver disease syndrome. Last evaluated: 2022-10-17. Review status: criteria provided, single submitter. Criteria: Invitae Variant Classification Sherloc (09022015). Collection method: clinical testing. Allele origin: germline.
Comment: This sequence change replaces serine, which is neutral and polar, with arginine, which is basic and polar, at codon 350 of the IL21R protein (p.Ser350Arg). This variant is present in population databases (rs755746046, gnomAD 0.004%). This variant has not been reported in the literature in individuals affected with IL21R-related conditions. ClinVar contains an entry for this variant (Variation ID: 948002). Advanced modeling of protein sequence and biophysical properties (such as structural, functional, and spatial information, amino acid conservation, physicochemical variation, residue mobility, and thermodynamic stability) performed at Invitae indicates that this missense variant is not expected to disrupt IL21R protein function. In summary, the available evidence is currently insufficient to determine the role of this variant in disease. Therefore, it has been classified as a Variant of Uncertain Significance.